The following is an entry in ClinVar:

ClinVar aggregate classification (germline): Pathogenic (1 of 4 stars; one submission).

Conditions:
Xanthinuria type II. Also called: Xanthine dehydrogenase and aldehyde oxidase combined deficiency of; XDH and AOX dual deficiency. Identifiers: Orphanet 3467, Orphanet 93602, MedGen C1863688, MONDO:0011346, OMIM 603592.

Allele frequency attached by ClinVar (database versions not stated): gnomAD exomes 0.00001.

Submission:

Labcorp Genetics (formerly Invitae), Labcorp
Classification: Pathogenic for Xanthinuria type II. Last evaluated: 2023-07-13. Review status: criteria provided, single submitter. Criteria: Invitae Variant Classification Sherloc (09022015). Collection method: clinical testing. Allele origin: germline.
Comment: For these reasons, this variant has been classified as Pathogenic. This variant has not been reported in the literature in individuals affected with XDH-related conditions. This variant is not present in population databases (gnomAD no frequency). This sequence change creates a premature translational stop signal (p.Glu45Glyfs*9) in the XDH gene. It is expected to result in an absent or disrupted protein product. Loss-of-function variants in XDH are known to be pathogenic (PMID: 9153281).

Literature cited by the submitters: PubMed 9153281.

NM_000379.4(XDH):c.134del (p.Glu45fs)

Gene: XDH (xanthine dehydrogenase; minus strand). Cytogenetic location: 2p23.1.
Variant type: Deletion.
Coding change: c.134del on transcript NM_000379.4 (MANE Select); coding-DNA position 134, one base deleted (A; older notation c.134delA).
Protein change: p.Glu45fs; shifts the reading frame from glutamic acid 45.
Molecular consequence: frameshift variant.
Genome position (GRCh38, 1-based): chr2:31,403,111, T deleted on the plus strand (A on the coding strand, the reverse complement: XDH is on the minus strand). VCF-style (leftmost placement, unchanged base first): chr2-31403110-CT-C. GRCh37 (hg19) VCF-style: chr2-31625976-CT-C.
Other names: short protein forms E45fs.
Identifiers: ClinVar variation 2743120 (VCV002743120.3), dbSNP rs2465444919, ClinGen allele CA2658511780.